The following is an entry in ClinVar:

NM_001510.4(GRID2):c.1458C>T (p.Tyr486=)

Gene: GRID2 (glutamate ionotropic receptor delta type subunit 2; plus strand). Cytogenetic location: 4q22.2.
Variant type: single nucleotide variant.
Coding change: c.1458C>T on transcript NM_001510.4 (MANE Select); coding-DNA position 1458, C replaced by T.
Protein change: p.Tyr486=; no amino-acid change (tyrosine 486 retained).
Molecular consequence: synonymous variant.
Genome position (GRCh38, 1-based): chr4:93,422,881, C>T. VCF-style: chr4-93422881-C-T. GRCh37 (hg19) VCF-style: chr4-94344032-C-T.
Other names: p.Tyr486=; c.1173C>T, p.Tyr391= (NM_001286838.1).
Identifiers: ClinVar variation 1182808 (VCV001182808.11), dbSNP rs72668716, ClinGen allele CA3012291.

ClinVar aggregate classification (germline): Benign. Review status: criteria provided, multiple submitters, no conflicts (2 of 4 stars). 5 submissions from 5 submitters: Benign (4). 1 of the submissions does not count toward it. Last evaluated 2026-01-28.

Conditions:
GRID2-related disorder. Also called: GRID2-related condition.

Allele frequency attached by ClinVar (database versions not stated): gnomAD exomes 0.02040 and 0.01611; 1000 Genomes Project 30x 0.02092; ExAC 0.02123; 1000 Genomes Project 0.02276; TOPMed 0.01132; gnomAD 0.01256 and 0.01393; ESP Exome Variant Server 0.01261.
gnomAD v4.1: 25,780 of 1,613,046 alleles (1.6%); highest among the groups gnomAD compares: South Asian, 6.2%; 397 homozygotes.

Submissions (5):

Labcorp Genetics (formerly Invitae), Labcorp
Classification: Benign. Last evaluated: 2026-01-28. Review status: criteria provided, single submitter. Criteria: Invitae Variant Classification Sherloc (09022015). Collection method: clinical testing. Allele origin: germline.

Mayo Clinic Laboratories, Mayo Clinic
Classification: Benign. Last evaluated: 2022-03-23. Review status: criteria provided, single submitter. Criteria: ACMG Guidelines, 2015. Collection method: clinical testing. Allele origin: germline. Observed: 17 variant alleles.

GeneDx
Classification: Benign. Last evaluated: 2021-05-04. Review status: criteria provided, single submitter. Criteria: GeneDx Variant Classification Process June 2021. Collection method: clinical testing. Allele origin: germline. Affected: yes.

Breakthrough Genomics
Classification: Benign. Review status: criteria provided, single submitter. Criteria: ACMG Guidelines, 2015. Collection method: not provided. Allele origin: germline. Inheritance: Autosomal recessive inheritance. Affected: yes.

PreventionGenetics, part of Exact Sciences
Classification: Benign for GRID2-related condition. Last evaluated: 2019-05-08. Review status: no assertion criteria provided. Collection method: clinical testing. Allele origin: germline. Not counted in ClinVar's aggregate classification.
Comment: This variant is classified as benign based on ACMG/AMP sequence variant interpretation guidelines (Richards et al. 2015 PMID: 25741868, with internal and published modifications).